The following is an entry in ClinVar:

NM_001130823.3(DNMT1):c.4298T>C (p.Met1433Thr)

Gene: DNMT1 (DNA methyltransferase 1; minus strand). Cytogenetic location: 19p13.2.
Variant type: single nucleotide variant.
Coding change: c.4298T>C on transcript NM_001130823.3 (MANE Select); coding-DNA position 4298, T replaced by C.
Protein change: p.Met1433Thr; replaces methionine 1433 with threonine.
Molecular consequence: missense variant.
Genome position (GRCh38, 1-based): chr19:10,137,276, A>G on the plus strand (T>C on the coding strand, the complement: DNMT1 is on the minus strand). VCF-style: chr19-10137276-A-G. GRCh37 (hg19) VCF-style: chr19-10247952-A-G.
Other names: c.4250T>C, p.Met1417Thr (NM_001318730.2, NM_001379.4); c.3935T>C, p.Met1312Thr (NM_001318731.2); c.4298T>C (NM_001130823.1); short protein forms M1312T, M1417T, M1433T.
Identifiers: ClinVar variation 807592 (VCV000807592.4), dbSNP rs1599341718, ClinGen allele CA403969934.

ClinVar aggregate classification (germline): Conflicting classifications of pathogenicity. Review status: criteria provided, conflicting classifications (1 of 4 stars). 2 submissions from 2 submitters: Likely pathogenic (1); Uncertain significance (1). Last evaluated 2025-04-28.

Conditions:
Autosomal dominant cerebellar ataxia, deafness and narcolepsy. Also called: Autosomal Dominant Cerebellar Ataxia, Deafness, and Narcolepsy (ADCA-DN). Identifiers: Orphanet 314404, MedGen C4302668, MONDO:0011397, OMIM 604121.

Submissions (2):

GeneDx
Classification: Uncertain significance. Last evaluated: 2025-04-28. Review status: criteria provided, single submitter. Criteria: GeneDx Variant Classification Process June 2021. Collection method: clinical testing. Allele origin: germline. Affected: yes.
Comment: Apparently de novo variant in a patient with dystonia, ataxia, and neuropathy in the published literature, however, additional details were not provided (PMID: 33098801, 35872528); Not observed at significant frequency in large population cohorts (gnomAD); In silico analysis supports that this missense variant has a deleterious effect on protein structure/function; This variant is associated with the following publications: (PMID: 33098801, 35872528)

Institute of Human Genetics Munich, TUM University Hospital
Classification: Likely pathogenic for Autosomal dominant cerebellar ataxia, deafness and narcolepsy. Last evaluated: 2019-02-15. Review status: criteria provided, single submitter. Criteria: Classification criteria August 2017. Collection method: clinical testing. Allele origin: de novo. Inheritance: Autosomal dominant inheritance. Affected: yes. Observed: 1 heterozygote.